The following is an entry in ClinVar:

NM_001131016.2(CIZ1):c.23_49del (p.Gln8_Gln16del)

Gene: CIZ1 (CDKN1A interacting zinc finger protein 1; minus strand). Cytogenetic location: 9q34.11.
Variant type: Deletion.
Coding change: c.23_49del on transcript NM_001131016.2 (MANE Select); coding-DNA positions 23 to 49, 27 bases deleted (AGCAGCTCCAGCAACAGCAGCAGCAGC).
Protein change: p.Gln8_Gln16del.
Molecular consequence: inframe deletion. On other transcripts: 5 prime UTR variant (1).
Genome position (GRCh38, 1-based): chr9:128,190,809-128,190,835, GCTGCTGCTGCTGTTGCTGGAGCTGCT deleted on the plus strand (AGCAGCTCCAGCAACAGCAGCAGCAGC on the coding strand, the reverse complement: CIZ1 is on the minus strand); deleting any 27 consecutive bases within chr9:128,190,809-128,190,848 gives the same sequence; the c. name uses the placement nearest the transcript's 3' end. VCF-style (leftmost placement, unchanged base first): chr9-128190808-AGCTGCTGCTGCTGTTGCTGGAGCTGCT-A. GRCh37 (hg19) VCF-style: chr9-130953087-AGCTGCTGCTGCTGTTGCTGGAGCTGCT-A.
Other names: c.23_49del, p.Gln8_Gln16del (NM_001131015.2, NM_001131017.2, NM_001131018.2 and 1 more transcripts); c.113_139del, p.Gln38_Gln46del (NM_001257975.2); c.-165_-139del (NM_001257976.2).
Identifiers: ClinVar variation 2719852 (VCV002719852.3), dbSNP rs1341976719, ClinGen allele CA860233330.
Genomic context (GRCh38, chr9:128,190,808, plus strand): 5'-TGCAGTAACTGCTGCTGCTGCAATTGCTGCTGCTGGAGCTGCTGCTGCTGTAACTGCTGG[AGCTGCTGCTGCTGTTGCTGGAGCTGCT>A]GCTGCTGCTGCTGGCTGAACATGGTGGCTAGGGGCAGAAAGCAGAGTGAGGCAAGGGGTC-3'

ClinVar aggregate classification (germline): Uncertain significance (1 of 4 stars; one submission).

Conditions:
Dystonic disorder. Also called: Dystonia. Identifiers: MedGen C0013421, MONDO:0003441, HP:0001332.

Submission:

Labcorp Genetics (formerly Invitae), Labcorp
Classification: Uncertain significance for Dystonic disorder. Last evaluated: 2024-12-08. Review status: criteria provided, single submitter. Criteria: Invitae Variant Classification Sherloc (09022015). Collection method: clinical testing. Allele origin: germline.
Comment: This variant, c.23_49del, results in the deletion of 9 amino acid(s) of the CIZ1 protein (p.Gln8_Gln16del), but otherwise preserves the integrity of the reading frame. This variant is not present in population databases (gnomAD no frequency). This variant has not been reported in the literature in individuals affected with CIZ1-related conditions. ClinVar contains an entry for this variant (Variation ID: 2719852). Experimental studies and prediction algorithms are not available or were not evaluated, and the functional significance of this variant is currently unknown. In summary, the available evidence is currently insufficient to determine the role of this variant in disease. Therefore, it has been classified as a Variant of Uncertain Significance.